The following is an entry in ClinVar:

ClinVar aggregate classification (germline): Uncertain significance (1 of 4 stars; one submission).

gnomAD v4.1: 1 of 1,612,310 alleles (0.000062%); highest among the groups gnomAD compares: Non-Finnish European, 0.000085%; no homozygotes.

Submission:

GeneDx
Classification: Uncertain significance. Last evaluated: 2026-04-21. Review status: criteria provided, single submitter. Criteria: GeneDx Variant Classification Process June 2021. Collection method: clinical testing. Allele origin: germline.
Comment: Not observed at significant frequency in large population cohorts (gnomAD); In silico analysis suggests that this missense variant does not alter protein structure/function; Has not been previously published as pathogenic or benign to our knowledge

NM_001024383.2(NAV3):c.5941A>G (p.Ile1981Val)

Gene: NAV3 (neuron navigator 3; plus strand). Cytogenetic location: 12q21.2.
Variant type: single nucleotide variant.
Coding change: c.5941A>G on transcript NM_001024383.2 (MANE Select); coding-DNA position 5941, A replaced by G.
Protein change: p.Ile1981Val; replaces isoleucine 1981 with valine.
Molecular consequence: missense variant.
Genome position (GRCh38, 1-based): chr12:78,188,663, A>G. VCF-style: chr12-78188663-A-G. GRCh37 (hg19) VCF-style: chr12-78582443-A-G.
Other names: c.4312A>G, p.Ile1438Val (NM_001438019.1); c.5875A>G, p.Ile1959Val (NM_014903.6); short protein forms I1438V, I1959V, I1981V.
Identifiers: ClinVar variation 5037460 (VCV005037460.1).